The following is an entry in ClinVar:

ClinVar aggregate classification (germline): Uncertain significance (1 of 4 stars; one submission).

Conditions:
Neuropathy, hereditary sensory and autonomic, type 2A (HSAN2A). Also called: ACROOSTEOLYSIS, GIACCAI TYPE; ACROOSTEOLYSIS, NEUROGENIC; MORVAN DISEASE; NEUROPATHY, CONGENITAL SENSORY; NEUROPATHY, HEREDITARY SENSORY RADICULAR, AUTOSOMAL RECESSIVE; NEUROPATHY, HEREDITARY SENSORY, TYPE IIA. Identifiers: Orphanet 970, MedGen C2752089, MONDO:0024309, OMIM 201300.
Pseudohypoaldosteronism type 2C (PHA2C). Also called: Pseudohypoaldosteronism Type IIC. Identifiers: Orphanet 757, Orphanet 88940, MedGen C1840391, MONDO:0013778, OMIM 614492.

Allele frequency attached by ClinVar (database versions not stated): gnomAD exomes 0.00001; ExAC 0.00001.
gnomAD v4.1: 3 of 1,599,090 alleles (0.00019%); highest among the groups gnomAD compares: Non-Finnish European, 0.00026%; no homozygotes.

Submission:

Labcorp Genetics (formerly Invitae), Labcorp
Classification: Uncertain significance for Neuropathy, hereditary sensory and autonomic, type 2A; Pseudohypoaldosteronism type 2C. Last evaluated: 2024-02-11. Review status: criteria provided, single submitter. Criteria: Invitae Variant Classification Sherloc (09022015). Collection method: clinical testing. Allele origin: germline.
Comment: This sequence change replaces proline, which is neutral and non-polar, with arginine, which is basic and polar, at codon 1146 of the WNK1 protein (p.Pro1146Arg). This variant is present in population databases (rs770431607, gnomAD 0.002%). This variant has not been reported in the literature in individuals affected with WNK1-related conditions. ClinVar contains an entry for this variant (Variation ID: 1383661). Advanced modeling of protein sequence and biophysical properties (such as structural, functional, and spatial information, amino acid conservation, physicochemical variation, residue mobility, and thermodynamic stability) performed at Invitae indicates that this missense variant is not expected to disrupt WNK1 protein function with a negative predictive value of 95%. In summary, the available evidence is currently insufficient to determine the role of this variant in disease. Therefore, it has been classified as a Variant of Uncertain Significance.

NM_213655.5(WNK1):c.3437C>G (p.Pro1146Arg)

Gene: WNK1 (WNK lysine deficient protein kinase 1; plus strand). Cytogenetic location: 12p13.33.
Variant type: single nucleotide variant.
Coding change: c.3437C>G on transcript NM_213655.5 (MANE Plus Clinical); coding-DNA position 3437, C replaced by G.
Protein change: p.Pro1146Arg; replaces proline 1146 with arginine.
Molecular consequence: missense variant. On other transcripts: intron variant (2).
Genome position (GRCh38, 1-based): chr12:868,908, C>G. VCF-style: chr12-868908-C-G. GRCh37 (hg19) VCF-style: chr12-978074-C-G.
Other names: c.3182C>G, p.Pro1061Arg (NM_001184985.2); c.2140-2357C>G (NM_018979.4, NM_014823.3); short protein forms P1061R, P1146R.
Identifiers: ClinVar variation 1383661 (VCV001383661.6), dbSNP rs770431607, ClinGen allele CA6382358.